The following is an entry in ClinVar:

ClinVar aggregate classification (germline): Uncertain significance (1 of 4 stars; one submission).

Allele frequency attached by ClinVar (database versions not stated): gnomAD exomes below 0.00001; gnomAD 0.00001; TOPMed 0.00001; ExAC 0.00002; 1000 Genomes Project 30x 0.00016; 1000 Genomes Project 0.00020.

Submission:

Ambry Genetics
Classification: Uncertain significance. Last evaluated: 2023-12-07. Review status: criteria provided, single submitter. Criteria: Ambry Variant Classification Scheme 2023. Collection method: clinical testing. Allele origin: germline.
Comment: The p.D230A variant (also known as c.689A>C), located in coding exon 6 of the NQO1 gene, results from an A to C substitution at nucleotide position 689. The aspartic acid at codon 230 is replaced by alanine, an amino acid with dissimilar properties. This amino acid position is conserved. In addition, this alteration is predicted to be tolerated by in silico analysis. Since supporting evidence is limited at this time, the clinical significance of this alteration remains unclear.

NM_000903.3(NQO1):c.689A>C (p.Asp230Ala)

Gene: NQO1 (NAD(P)H quinone dehydrogenase 1; minus strand). Cytogenetic location: 16q22.1.
Variant type: single nucleotide variant.
Coding change: c.689A>C on transcript NM_000903.3 (MANE Select); coding-DNA position 689, A replaced by C.
Protein change: p.Asp230Ala; replaces aspartic acid 230 with alanine.
Molecular consequence: missense variant.
Genome position (GRCh38, 1-based): chr16:69,711,112, T>G on the plus strand (A>C on the coding strand, the complement: NQO1 is on the minus strand). VCF-style: chr16-69711112-T-G. GRCh37 (hg19) VCF-style: chr16-69745015-T-G.
Other names: c.587A>C, p.Asp196Ala (NM_001025433.2); c.575A>C, p.Asp192Ala (NM_001025434.2); c.473A>C, p.Asp158Ala (NM_001286137.2); short protein forms D158A, D192A, D196A, D230A.
Identifiers: ClinVar variation 3232321 (VCV003232321.1), dbSNP rs540563859, ClinGen allele CA8136144.